The following is an entry in ClinVar:

ClinVar aggregate classification (germline): Uncertain significance (1 of 4 stars; one submission).

gnomAD v4.1: 3 of 1,614,168 alleles (0.00019%); highest among the groups gnomAD compares: East Asian, 0.0022%; no homozygotes.

Submission:

Labcorp Genetics (formerly Invitae), Labcorp
Classification: Uncertain significance. Last evaluated: 2022-01-13. Review status: criteria provided, single submitter. Criteria: Invitae Variant Classification Sherloc (09022015). Collection method: clinical testing. Allele origin: germline.
Comment: In summary, the available evidence is currently insufficient to determine the role of this variant in disease. Therefore, it has been classified as a Variant of Uncertain Significance. Advanced modeling of protein sequence and biophysical properties (such as structural, functional, and spatial information, amino acid conservation, physicochemical variation, residue mobility, and thermodynamic stability) performed at Invitae indicates that this missense variant is not expected to disrupt LRP2 protein function. This variant has not been reported in the literature in individuals affected with LRP2-related conditions. This variant is not present in population databases (gnomAD no frequency). This sequence change replaces histidine, which is basic and polar, with arginine, which is basic and polar, at codon 2594 of the LRP2 protein (p.His2594Arg).

NM_004525.3(LRP2):c.7781A>G (p.His2594Arg)

Gene: LRP2 (LDL receptor related protein 2; minus strand). Cytogenetic location: 2q31.1.
Variant type: single nucleotide variant.
Coding change: c.7781A>G on transcript NM_004525.3 (MANE Select); coding-DNA position 7781, A replaced by G.
Protein change: p.His2594Arg; replaces histidine 2594 with arginine.
Molecular consequence: missense variant.
Genome position (GRCh38, 1-based): chr2:169,204,206, T>C on the plus strand (A>G on the coding strand, the complement: LRP2 is on the minus strand). VCF-style: chr2-169204206-T-C. GRCh37 (hg19) VCF-style: chr2-170060716-T-C.
Other names: short protein forms H2594R.
Identifiers: ClinVar variation 1476688 (VCV001476688.6), dbSNP rs758623046, ClinGen allele CA349167786.
Genomic context (GRCh38, chr2:169,204,206, plus strand): 5'-CTTTGTGTGTACAAGTCAGTCCAGTAAATATACTGGCCATAGAGAGTCAAGCCAAAAGCA[T>C]GAACGGCTGCATTGACAATGACTTCACGATCCACGCCCGTCAGAGTGCTGCGTTCAATCC-3'
Protein context (NP_004516.2, residues 2584-2604): DREVIVNAAV[His2594Arg]AFGLTLYGQY